The following is an entry in ClinVar:

NM_000540.3(RYR1):c.11716_11719del (p.Thr3906fs)

Gene: RYR1 (ryanodine receptor 1; plus strand). Cytogenetic location: 19q13.2.
Variant type: Microsatellite.
Coding change: c.11716_11719del on transcript NM_000540.3 (MANE Select); coding-DNA positions 11716 to 11719, 4 bases deleted (ACAG; older notation c.11716_11719delACAG).
Protein change: p.Thr3906fs; shifts the reading frame from threonine 3906.
Molecular consequence: frameshift variant.
Genome position (GRCh38, 1-based): chr19:38,543,373-38,543,376, ACAG deleted; deleting any 4 consecutive bases within chr19:38,543,369-38,543,376 gives the same sequence; the c. name uses the placement nearest the transcript's 3' end. VCF-style (leftmost placement, unchanged base first): chr19-38543368-CACAG-C. GRCh37 (hg19) VCF-style: chr19-39034008-CACAG-C.
Other names: c.11701_11704del, p.Thr3901fs (NM_001042723.2); short protein forms T3901fs, T3906fs.
Identifiers: ClinVar variation 3385564 (VCV003385564.1).

ClinVar aggregate classification (germline): Uncertain significance (1 of 4 stars; one submission).

Conditions:
Malignant hyperthermia, susceptibility to, 1 (MHS1). Also called: Anesthesia related hyperthermia; Malignant hyperpyrexia; Fulminating hyperpyrexia; Pharmacogenic myopathy; Malignant hyperthermia suceptibility 1; RYR1-Related Malignant Hyperthermia Susceptibility. Identifiers: Orphanet 423, MedGen C2930980, MONDO:0007783, OMIM 145600.

Submission:

All of Us Research Program, National Institutes of Health
Classification: Uncertain significance for Malignant hyperthermia, susceptibility to, 1. Last evaluated: 2024-06-09. Review status: criteria provided, single submitter. Criteria: ACMG Guidelines, 2015. Collection method: clinical testing. Allele origin: germline. Inheritance: Autosomal dominant inheritance. Observed: 1 variant allele, 1 heterozygote.
Comment: This pathogenicity assessment is for autosomal dominant malignant hyperthermia susceptibility phenotype. This frameshift variant is predicted to result in an absent RYR1 protein product. Loss of RYR1 function due to haploinsufficiency is associated with congenital myopathy, but it is not an established disease mechanism for autosomal dominant malignant hyperthermia susceptibility. Therefore, this variant is classified as a Variant of Uncertain Significance for malignant hyperthermia susceptibility.

This study involves interpretation of variants in research participants for the purpose of population health screening. Participant phenotype was not available at the time of variant classification. Additional details can be found in publication PMID: 35346344, PMCID: PMC8962531